The following is an entry in ClinVar:

ClinVar aggregate classification (germline): Uncertain significance (1 of 4 stars; one submission).

Submission:

Ambry Genetics
Classification: Uncertain significance. Last evaluated: 2026-06-05. Review status: criteria provided, single submitter. Criteria: Ambry Variant Classification Scheme 2023. Collection method: clinical testing. Allele origin: germline.
Comment: The c.1825G>A (p.E609K) alteration is located in exon 1 (coding exon 1) of the ZNF865 gene. This alteration results from a G to A substitution at nucleotide position 1825, causing the glutamic acid (E) at amino acid position 609 to be replaced by a lysine (K). Based on data from gnomAD, the A allele has an overall frequency of <0.001% (0/103978) total alleles studied. The highest observed frequency was <0.001% (/) of alleles. Based on insufficient or conflicting evidence, the clinical significance of this alteration remains unclear.

NM_001195605.2(ZNF865):c.1825G>A (p.Glu609Lys)

Gene: ZNF865 (zinc finger protein 865; plus strand). Cytogenetic location: 19q13.42.
Variant type: single nucleotide variant.
Coding change: c.1825G>A on transcript NM_001195605.2 (MANE Select); coding-DNA position 1825, G replaced by A.
Protein change: p.Glu609Lys; replaces glutamic acid 609 with lysine.
Molecular consequence: missense variant.
Genome position (GRCh38, 1-based): chr19:55,615,443, G>A. VCF-style: chr19-55615443-G-A. GRCh37 (hg19) VCF-style: chr19-56126809-G-A.
Other names: short protein forms E609K.
Identifiers: ClinVar variation 4867076 (VCV004867076.1).
Genomic context (GRCh38, chr19:55,615,443, plus strand): 5'-GAATCCTTCCACTTGAGCAAGCATCACGTGGTGCACACGCGCGAGCGGCCCTACAAGTGC[G>A]AGCTCTGCGGCAAGGTCTTCGGCTACCCGCAGAGCCTCACCCGCCACCGCCAGGTGCACC-3'
Protein context (NP_001182534.1, residues 599-619): VHTRERPYKC[Glu609Lys]LCGKVFGYPQ